The following is an entry in ClinVar:

ClinVar aggregate classification (germline): Uncertain significance. Review status: criteria provided, multiple submitters, no conflicts (2 of 4 stars). 2 submissions from 2 submitters: Uncertain significance (2). Last evaluated 2022-12-02.

Conditions:
Essential hypertension, genetic (EHT). Identifiers: MedGen CN305331, MONDO:0007781, OMIM 145500.
Renal tubular dysgenesis of genetic origin. Also called: PRIMITIVE RENAL TUBULE SYNDROME. Identifiers: Orphanet 97369, MedGen C5681536, MONDO:0009970, OMIM 267430.

Allele frequency attached by ClinVar (database versions not stated): TOPMed 0.00001; ExAC 0.00002; gnomAD 0.00002; gnomAD exomes 0.00004 and 0.00007; ESP Exome Variant Server 0.00008.
gnomAD v4.1: 105 of 1,614,038 alleles (0.0065%); highest among the groups gnomAD compares: Non-Finnish European, 0.0084%; no homozygotes.

Submissions (2):

Labcorp Genetics (formerly Invitae), Labcorp
Classification: Uncertain significance. Last evaluated: 2022-12-02. Review status: criteria provided, single submitter. Criteria: Invitae Variant Classification Sherloc (09022015). Collection method: clinical testing. Allele origin: germline.
Comment: In summary, the available evidence is currently insufficient to determine the role of this variant in disease. Therefore, it has been classified as a Variant of Uncertain Significance. Algorithms developed to predict the effect of missense changes on protein structure and function (SIFT, PolyPhen-2, Align-GVGD) all suggest that this variant is likely to be tolerated. ClinVar contains an entry for this variant (Variation ID: 1405037). This variant has not been reported in the literature in individuals affected with AGT-related conditions. This variant is present in population databases (rs151194891, gnomAD 0.01%). This sequence change replaces aspartic acid, which is acidic and polar, with histidine, which is basic and polar, at codon 327 of the AGT protein (p.Asp327His).

Fulgent Genetics
Classification: Uncertain significance for Essential hypertension, genetic; Renal tubular dysgenesis of genetic origin. Last evaluated: 2021-11-30. Review status: criteria provided, single submitter. Criteria: ACMG Guidelines, 2015. Collection method: clinical testing. Allele origin: unknown.

NM_001384479.1(AGT):c.952G>C (p.Asp318His)

Gene: AGT (angiotensinogen; minus strand). Cytogenetic location: 1q42.2.
Variant type: single nucleotide variant.
Coding change: c.952G>C on transcript NM_001384479.1 (MANE Select); coding-DNA position 952, G replaced by C.
Protein change: p.Asp318His; replaces aspartic acid 318 with histidine.
Molecular consequence: missense variant.
Genome position (GRCh38, 1-based): chr1:230,706,078, C>G on the plus strand (G>C on the coding strand, the complement: AGT is on the minus strand). VCF-style: chr1-230706078-C-G. GRCh37 (hg19) VCF-style: chr1-230841824-C-G.
Other names: c.952G>C, p.Asp318His (NM_001382817.3); short protein forms D318H.
Identifiers: ClinVar variation 1405037 (VCV001405037.7), dbSNP rs151194891, ClinGen allele CA1448172.
Genomic context (GRCh38, chr1:230,706,078, plus strand): 5'-GCTGGATCAGCAGCAGGCAGGCGCTCTCAGTGAAGGGCACTTGAGTCACCGAGAAGTTGT[C>G]CTGGATGTCACTCCAGTGCTGGAAGGTGCCCATGCCAGAGAGCATGGGAACAGACACTGA-3'
Protein context (NP_001371408.1, residues 308-328): GTFQHWSDIQ[Asp318His]NFSVTQVPFT